The following is an entry in ClinVar:

NM_007098.4(CLTCL1):c.3676C>T (p.Arg1226Cys)

Gene: CLTCL1 (clathrin heavy chain like 1; minus strand). Cytogenetic location: 22q11.21.
Variant type: single nucleotide variant.
Coding change: c.3676C>T on transcript NM_007098.4 (MANE Select); coding-DNA position 3676, C replaced by T.
Protein change: p.Arg1226Cys; replaces arginine 1226 with cysteine.
Molecular consequence: missense variant.
Genome position (GRCh38, 1-based): chr22:19,201,418, G>A on the plus strand (C>T on the coding strand, the complement: CLTCL1 is on the minus strand). VCF-style: chr22-19201418-G-A. GRCh37 (hg19) VCF-style: chr22-19188929-G-A.
Other names: p.Arg1226Cys; c.3676C>T, p.Arg1226Cys (NM_001835.4); short protein forms R1226C.
Identifiers: ClinVar variation 4230284 (VCV004230284.2).

ClinVar aggregate classification (germline): Uncertain significance. Review status: criteria provided, multiple submitters, no conflicts (2 of 4 stars). 2 submissions from 2 submitters: Uncertain significance (2). Last evaluated 2025-10-01.

gnomAD v4.1: 181 of 1,613,892 alleles (0.011%); highest among the groups gnomAD compares: Admixed American, 0.12%; 1 homozygote.

Submissions (2):

Mayo Clinic Laboratories, Mayo Clinic
Classification: Uncertain significance. Last evaluated: 2025-10-01. Review status: criteria provided, single submitter. Criteria: ACMG Guidelines, 2015. Collection method: clinical testing. Allele origin: germline. Observed: 1 variant allele.
Comment: BP4_moderate

Ambry Genetics
Classification: Uncertain significance. Last evaluated: 2025-08-14. Review status: criteria provided, single submitter. Criteria: Ambry Variant Classification Scheme 2023. Collection method: clinical testing. Allele origin: germline.